The following is an entry in ClinVar:

NM_014314.4(RIGI):c.423+1G>T

Gene: RIGI (RNA sensor RIG-I; minus strand). Cytogenetic location: 9p21.1.
Variant type: single nucleotide variant.
Coding change: c.423+1G>T on transcript NM_014314.4 (MANE Select); the canonical splice donor site of the intron after coding-DNA position 423, G replaced by T.
Molecular consequence: splice donor variant.
Genome position (GRCh38, 1-based): chr9:32,493,760, C>A on the plus strand (G>T on the coding strand, the complement: RIGI is on the minus strand). VCF-style: chr9-32493760-C-A. GRCh37 (hg19) VCF-style: chr9-32493758-C-A.
Other names: c.-39+1G>T (NM_001385912.1); c.423+1G>T (NM_001385913.1, NM_001385907.1, NM_001385909.1); c.-32+1G>T (NM_001385914.1, NM_001385910.1).
Identifiers: ClinVar variation 1381901 (VCV001381901.6), dbSNP rs771837792, ClinGen allele CA373164248.

ClinVar aggregate classification (germline): Uncertain significance (1 of 4 stars; one submission).

gnomAD v4.1: 1 of 1,541,026 alleles (0.000065%); highest among the groups gnomAD compares: Non-Finnish European, 0.000088%; no homozygotes.

Submission:

Labcorp Genetics (formerly Invitae), Labcorp
Classification: Uncertain significance. Last evaluated: 2022-08-24. Review status: criteria provided, single submitter. Criteria: Invitae Variant Classification Sherloc (09022015). Collection method: clinical testing. Allele origin: germline.
Comment: This variant is not present in population databases (gnomAD no frequency). In summary, the available evidence is currently insufficient to determine the role of this variant in disease. Therefore, it has been classified as a Variant of Uncertain Significance. Algorithms developed to predict the effect of sequence changes on RNA splicing suggest that this variant may disrupt the consensus splice site. ClinVar contains an entry for this variant (Variation ID: 1381901). This variant has not been reported in the literature in individuals affected with DDX58-related conditions. This sequence change affects a donor splice site in intron 3 of the DDX58 gene. It is expected to disrupt RNA splicing. Variants that disrupt the donor or acceptor splice site typically lead to a loss of protein function (PMID: 16199547), however the current clinical and genetic evidence is not sufficient to establish whether loss-of-function variants in DDX58 cause disease.

Literature cited by the submitters: PubMed 16199547.